The following is an entry in ClinVar:

ClinVar aggregate classification (germline): Uncertain significance (1 of 4 stars; one submission).

Conditions:
Hereditary cancer-predisposing syndrome. Also called: Neoplastic Syndromes, Hereditary; Tumor predisposition; Hereditary neoplastic syndrome; Hereditary Cancer Syndrome. Identifiers: Orphanet 140162, MedGen C0027672, MeSH D009386, MONDO:0015356.

gnomAD v4.1: 1 of 1,537,558 alleles (0.000065%); highest among the groups gnomAD compares: South Asian, 0.0011%; no homozygotes.

Submission:

Ambry Genetics
Classification: Uncertain significance for Hereditary cancer-predisposing syndrome. Last evaluated: 2026-07-06. Review status: criteria provided, single submitter. Criteria: Ambry Variant Classification Scheme 2023. Collection method: clinical testing. Allele origin: germline.
Comment: The p.F60L variant (also known as c.180C>A), located in coding exon 4 of the MAX gene, results from a C to A substitution at nucleotide position 180. The phenylalanine at codon 60 is replaced by leucine, an amino acid with highly similar properties. This amino acid position is conserved. In addition, this alteration is predicted to be tolerated by in silico analysis. Based on the available evidence, the clinical significance of this variant remains unclear.

NM_002382.5(MAX):c.172-6255C>A

Gene: MAX (MYC associated transcriptional regulator X; minus strand). Cytogenetic location: 14q23.3.
Variant type: single nucleotide variant.
Coding change: c.172-6255C>A on transcript NM_002382.5 (MANE Select); 6255 bases into the intron before coding-DNA position 172, C replaced by A.
Molecular consequence: intron variant. On other transcripts: missense variant (4), non-coding transcript variant (4).
Genome position (GRCh38, 1-based): chr14:65,084,291, G>T on the plus strand (C>A on the coding strand, the complement: MAX is on the minus strand). VCF-style: chr14-65084291-G-T. GRCh37 (hg19) VCF-style: chr14-65551009-G-T.
Other names: c.153C>A, p.Phe51Leu (NM_001271068.2, NM_001407113.1); c.203C>A, p.Ser68Tyr (NM_001407114.1); c.180C>A, p.Phe60Leu (NM_145114.3); c.144+9417C>A (NM_001271069.2); c.171+9417C>A (NM_197957.4); c.-196-6255C>A (NM_001407112.1, NM_001407111.1); c.-103-6255C>A (NM_001407106.1, NM_001407107.1, NM_001320415.2 and 1 more transcripts); c.145-6255C>A (NM_001407095.1, NM_001407110.1, NM_001407102.1 and 6 more transcripts); and 2 more; short protein forms F51L, S68Y, F60L.
Identifiers: ClinVar variation 5023965 (VCV005023965.1).